The following is an entry in ClinVar:

NM_020297.4(ABCC9):c.3566G>A (p.Arg1189Lys)

Gene: ABCC9 (ATP binding cassette subfamily C member 9; minus strand). Cytogenetic location: 12p12.1.
Variant type: single nucleotide variant.
Coding change: c.3566G>A on transcript NM_020297.4 (MANE Select); coding-DNA position 3566, G replaced by A.
Protein change: p.Arg1189Lys; replaces arginine 1189 with lysine.
Molecular consequence: missense variant.
Genome position (GRCh38, 1-based): chr12:21,838,078, C>T on the plus strand (G>A on the coding strand, the complement: ABCC9 is on the minus strand). VCF-style: chr12-21838078-C-T. GRCh37 (hg19) VCF-style: chr12-21991012-C-T.
Other names: c.3566G>A, p.Arg1189Lys (NM_001377273.1, NM_005691.4); c.2699G>A, p.Arg900Lys (NM_001377274.1); short protein forms R1189K, R900K.
Identifiers: ClinVar variation 2899855 (VCV002899855.3), dbSNP rs2541025063, ClinGen allele CA384140518.

ClinVar aggregate classification (germline): Uncertain significance (1 of 4 stars; one submission).

Conditions:
Dilated cardiomyopathy 1O (CMD1O). Also called: CARDIOMYOPATHY, DILATED, WITH VENTRICULAR TACHYCARDIA. Identifiers: Orphanet 154, MedGen C1837839, MONDO:0012062, OMIM 608569.

Submission:

Labcorp Genetics (formerly Invitae), Labcorp
Classification: Uncertain significance for Dilated cardiomyopathy 1O. Last evaluated: 2023-05-05. Review status: criteria provided, single submitter. Criteria: Invitae Variant Classification Sherloc (09022015). Collection method: clinical testing. Allele origin: germline.
Comment: In summary, the available evidence is currently insufficient to determine the role of this variant in disease. Therefore, it has been classified as a Variant of Uncertain Significance. Variants that disrupt the consensus splice site are a relatively common cause of aberrant splicing (PMID: 17576681, 9536098). An algorithm developed to predict the effect of missense changes on protein structure and function (PolyPhen-2) suggests that this variant is likely to be tolerated. This variant has not been reported in the literature in individuals affected with ABCC9-related conditions. This variant is not present in population databases (gnomAD no frequency). This sequence change replaces arginine, which is basic and polar, with lysine, which is basic and polar, at codon 1189 of the ABCC9 protein (p.Arg1189Lys). This variant also falls at the last nucleotide of exon 28, which is part of the consensus splice site for this exon.

Literature cited by the submitters: PubMed 17576681; PubMed 9536098.